The following is an entry in ClinVar:

NM_001371279.1(REEP1):c.784-18_784-15del

Gene: REEP1 (receptor accessory protein 1; minus strand). Cytogenetic location: 2p11.2.
Variant type: Deletion.
Coding change: c.784-18_784-15del on transcript NM_001371279.1 (MANE Select); 18 bases into the intron before coding-DNA position 784 through 15 bases into the intron before coding-DNA position 784, 4 bases deleted (TTCT; older notation c.784-18_784-15delTTCT).
Molecular consequence: intron variant.
Genome position (GRCh38, 1-based): chr2:86,217,125-86,217,128, AGAA deleted on the plus strand (TTCT on the coding strand, the reverse complement: REEP1 is on the minus strand); deleting any 4 consecutive bases within chr2:86,217,125-86,217,130 gives the same sequence; the c. name uses the placement nearest the transcript's 3' end. VCF-style (leftmost placement, unchanged base first): chr2-86217124-CAGAA-C. GRCh37 (hg19) VCF-style: chr2-86444247-CAGAA-C.
Other names: c.617-18_617-15del (NM_001164730.2); c.515-18_515-15del (NM_001164731.2); c.361-18_361-15del (NM_001164732.2); c.418-18_418-15del (NM_001371280.1); c.596-18_596-15del (NM_022912.3); c.596-18_596-15delTTCT (NM_022912.3, NM_022912.2).
Identifiers: ClinVar variation 507160 (VCV000507160.19), dbSNP rs760605373, ClinGen allele CA1748667.

ClinVar aggregate classification (germline): Benign/Likely benign. Review status: criteria provided, multiple submitters, no conflicts (2 of 4 stars). 5 submissions from 5 submitters: Benign (2); Likely benign (3). Last evaluated 2026-01-05.

Conditions:
Hereditary spastic paraplegia 31. Also called: SPASTIC PARAPLEGIA 31, AUTOSOMAL DOMINANT. Identifiers: Orphanet 101011, MedGen C1853247, MONDO:0012453, OMIM 610250.

Submissions (5):

Labcorp Genetics (formerly Invitae), Labcorp
Classification: Benign for Hereditary spastic paraplegia 31. Last evaluated: 2026-01-05. Review status: criteria provided, single submitter. Criteria: Invitae Variant Classification Sherloc (09022015). Collection method: clinical testing. Allele origin: germline.

Women's Health and Genetics/Laboratory Corporation of America, LabCorp
Classification: Benign. Last evaluated: 2025-02-25. Review status: criteria provided, single submitter. Criteria: LabCorp Variant Classification Summary - May 2015. Collection method: clinical testing. Allele origin: germline.
Comment: Variant summary: REEP1 c.596-18_596-15delTTCT alters a non-conserved nucleotide located at a position not widely known to affect splicing. Several computational tools predict a significant impact on normal splicing: Three predict the variant weakens a canonical 3' acceptor site. However, these predictions have yet to be confirmed by functional studies. The variant allele was found at a frequency of 0.00041 in 248980 control chromosomes, predominantly at a frequency of 0.0058 within the African or African-American subpopulation in the gnomAD database. The observed variant frequency within African or African-American control individuals in the gnomAD database is approximately 5 fold of the estimated maximal expected allele frequency for a pathogenic variant in REEP1 causing Spinal muscular atrophy, distal, autosomal recessive, 6 phenotype (0.0011). To our knowledge, no occurrence of c.596-18_596-15delTTCT in individuals affected with Spinal muscular atrophy, distal, autosomal recessive, 6 and no experimental evidence demonstrating its impact on protein function have been reported. ClinVar contains an entry for this variant (Variation ID: 507160). Based on the evidence outlined above, the variant was classified as benign.

Blueprint Genetics
Classification: Likely benign. Last evaluated: 2024-06-26. Review status: criteria provided, single submitter. Criteria: ACMG Guidelines, 2015. Collection method: clinical testing. Allele origin: germline.

ARUP Laboratories, Molecular Genetics and Genomics, ARUP Laboratories
Classification: Likely benign. Last evaluated: 2020-03-13. Review status: criteria provided, single submitter. Criteria: ARUP Molecular Germline Variant Investigation Process. Collection method: clinical testing. Allele origin: germline.

GeneDx
Classification: Likely benign. Last evaluated: 2018-03-08. Review status: criteria provided, single submitter. Criteria: GeneDx Variant Classification (06012015). Collection method: clinical testing. Allele origin: germline. Affected: yes.
Comment: This variant is considered likely benign or benign based on one or more of the following criteria: it is a conservative change, it occurs at a poorly conserved position in the protein, it is predicted to be benign by multiple in silico algorithms, and/or has population frequency not consistent with disease.